The following is an entry in ClinVar:

NM_004519.4(KCNQ3):c.2016GGA[1] (p.Glu673del)

Gene: KCNQ3 (potassium voltage-gated channel subfamily Q member 3; minus strand). Cytogenetic location: 8q24.22.
Variant type: Microsatellite.
Coding change: c.2016GGA[1] on transcript NM_004519.4 (MANE Select); one copy of the 3-base unit GGA starting at c.2016; the reference has two copies in a row; one copy, 3 bases deleted; also written c.2019_2021del.
Protein change: p.Glu673del; deletes glutamic acid 673.
Molecular consequence: inframe deletion.
Genome position (GRCh38, 1-based): chr8:132,129,860-132,129,862, TCC deleted on the plus strand (GGA on the coding strand, the reverse complement: KCNQ3 is on the minus strand); deleting any 3 consecutive bases within chr8:132,129,860-132,129,866 gives the same sequence; the position shown is the placement nearest the transcript's 3' end. VCF-style (leftmost placement, unchanged base first): chr8-132129859-GTCC-G. GRCh37 (hg19) VCF-style: chr8-133142106-GTCC-G.
Other names: c.2019_2021delGGA (NM_004519.3); c.2019_2021del (NM_004519.3); c.1656GGA[1], p.Glu553del (NM_001204824.2); short protein forms E553del, E673del.
Identifiers: ClinVar variation 1055957 (VCV001055957.11), dbSNP rs1824808776, ClinGen allele CA1119335508.

ClinVar aggregate classification (germline): Uncertain significance. Review status: criteria provided, multiple submitters, no conflicts (2 of 4 stars). 3 submissions from 3 submitters: Uncertain significance (3). Last evaluated 2025-06-04.

Conditions:
Benign neonatal seizures. Also called: Benign familial neonatal epilepsy; Benign familial neonatal seizures; Convulsions benign familial neonatal dominant form; Autosomal dominant form of benign neonatal seizures; Benign neonatal familial convulsions. Identifiers: Orphanet 1949, MedGen C0220669, MONDO:0016027.
Inborn genetic diseases. Identifiers: MedGen C0950123, MeSH D030342.

Submissions (3):

GeneDx
Classification: Uncertain significance. Last evaluated: 2025-06-04. Review status: criteria provided, single submitter. Criteria: GeneDx Variant Classification Process June 2021. Collection method: clinical testing. Allele origin: germline. Affected: yes.
Comment: Not observed at significant frequency in large population cohorts (gnomAD); In-frame deletion of 1 amino acid in a non-repeat region; In silico analysis suggests that this variant does not alter protein structure/function; Has not been previously published as pathogenic or benign to our knowledge

Labcorp Genetics (formerly Invitae), Labcorp
Classification: Uncertain significance for Benign neonatal seizures. Last evaluated: 2022-07-12. Review status: criteria provided, single submitter. Criteria: Invitae Variant Classification Sherloc (09022015). Collection method: clinical testing. Allele origin: germline.
Comment: This variant is not present in population databases (gnomAD no frequency). This variant, c.2019_2021del, results in the deletion of 1 amino acid(s) of the KCNQ3 protein (p.Glu673del), but otherwise preserves the integrity of the reading frame. This variant has not been reported in the literature in individuals affected with KCNQ3-related conditions. Experimental studies and prediction algorithms are not available or were not evaluated, and the functional significance of this variant is currently unknown. In summary, the available evidence is currently insufficient to determine the role of this variant in disease. Therefore, it has been classified as a Variant of Uncertain Significance.

Ambry Genetics
Classification: Uncertain significance for Inborn genetic diseases. Last evaluated: 2018-10-22. Review status: criteria provided, single submitter. Criteria: Ambry Variant Classification Scheme 2023. Collection method: clinical testing. Allele origin: germline.
Comment: The c.2019_2021delGGA variant (also known as p.E673del) is located in coding exon 15 of the KCNQ3 gene. This variant results from an in-frame GGA deletion at nucleotide positions 2019 to 2021. This results in the in-frame deletion of a glutamic acid at codon 673. This alteration is predicted to be neutral by in silico analysis (Choi Y et al., PLoS ONE 2012; 7(10):e46688). This amino acid position is well conserved in available vertebrate species. Since supporting evidence is limited at this time, the clinical significance of this alteration remains unclear.